The following is an entry in ClinVar:

NM_000057.4(BLM):c.164C>T (p.Ala55Val)

Gene: BLM (BLM RecQ like helicase; plus strand). Cytogenetic location: 15q26.1.
Variant type: single nucleotide variant.
Coding change: c.164C>T on transcript NM_000057.4 (MANE Select); coding-DNA position 164, C replaced by T.
Protein change: p.Ala55Val; replaces alanine 55 with valine.
Molecular consequence: missense variant. On other transcripts: 5 prime UTR variant (1).
Genome position (GRCh38, 1-based): chr15:90,749,432, C>T. VCF-style: chr15-90749432-C-T. GRCh37 (hg19) VCF-style: chr15-91292662-C-T.
Other names: c.164C>T, p.Ala55Val (NM_001287246.2, NM_001287247.2); c.-1128C>T (NM_001287248.2); short protein forms A55V.
Identifiers: ClinVar variation 864765 (VCV000864765.7), dbSNP rs1895601835, ClinGen allele CA393839529.

ClinVar aggregate classification (germline): Uncertain significance (1 of 4 stars; one submission).

Conditions:
Bloom syndrome (BLM). Also called: Bloom-Torre-Machacek syndrome. Identifiers: Orphanet 125, MedGen C0005859, MONDO:0008876, OMIM 210900.

Submission:

Labcorp Genetics (formerly Invitae), Labcorp
Classification: Uncertain significance for Bloom syndrome. Last evaluated: 2022-02-18. Review status: criteria provided, single submitter. Criteria: Invitae Variant Classification Sherloc (09022015). Collection method: clinical testing. Allele origin: germline.
Comment: This sequence change replaces alanine, which is neutral and non-polar, with valine, which is neutral and non-polar, at codon 55 of the BLM protein (p.Ala55Val). This variant is not present in population databases (gnomAD no frequency). This variant has not been reported in the literature in individuals affected with BLM-related conditions. ClinVar contains an entry for this variant (Variation ID: 864765). Algorithms developed to predict the effect of missense changes on protein structure and function output the following: SIFT: "Tolerated"; PolyPhen-2: "Benign"; Align-GVGD: "Class C0". The valine amino acid residue is found in multiple mammalian species, which suggests that this missense change does not adversely affect protein function. In summary, the available evidence is currently insufficient to determine the role of this variant in disease. Therefore, it has been classified as a Variant of Uncertain Significance.